The following is an entry in ClinVar:

NM_001105206.3(LAMA4):c.1459G>C (p.Asp487His)

Gene: LAMA4 (laminin subunit alpha 4; minus strand). Cytogenetic location: 6q21.
Variant type: single nucleotide variant.
Coding change: c.1459G>C on transcript NM_001105206.3 (MANE Select); coding-DNA position 1459, G replaced by C.
Protein change: p.Asp487His; replaces aspartic acid 487 with histidine.
Molecular consequence: missense variant.
Genome position (GRCh38, 1-based): chr6:112,172,703, C>G on the plus strand (G>C on the coding strand, the complement: LAMA4 is on the minus strand). VCF-style: chr6-112172703-C-G. GRCh37 (hg19) VCF-style: chr6-112493905-C-G.
Other names: c.1438G>C, p.Asp480His (NM_001105207.3, NM_002290.5); short protein forms D480H, D487H.
Identifiers: ClinVar variation 3222020 (VCV003222020.3), dbSNP rs782384976, ClinGen allele CA3965766.
Genomic context (GRCh38, chr6:112,172,703, plus strand): 5'-TGTTCATGTCTTCGGCATCCCTGACATAGTTAAGGGCCTGGTCAAGTGCTTCCTGGAGAT[C>G]TGACAACTTAGCATTGTAGTCATCCAGCTGCTCCAGGACGACAGGAAACAGAGTGCGGGT-3'
Protein context (NP_001098676.2, residues 477-497): QLDDYNAKLS[Asp487His]LQEALDQALN

ClinVar aggregate classification (germline): Uncertain significance. Review status: criteria provided, multiple submitters, no conflicts (2 of 4 stars). 2 submissions from 2 submitters: Uncertain significance (2). Last evaluated 2024-02-18.

Conditions:
Cardiovascular phenotype. Identifiers: MedGen CN230736.
Dilated cardiomyopathy 1JJ (CMD1JJ). Identifiers: Orphanet 154, MedGen C3808935, MONDO:0014095, OMIM 615235.

Allele frequency attached by ClinVar (database versions not stated): ExAC 0.00001; gnomAD exomes 0.00001.

Submissions (2):

Labcorp Genetics (formerly Invitae), Labcorp
Classification: Uncertain significance for Dilated cardiomyopathy 1JJ. Last evaluated: 2024-02-18. Review status: criteria provided, single submitter. Criteria: Invitae Variant Classification Sherloc (09022015). Collection method: clinical testing. Allele origin: germline.
Comment: This sequence change replaces aspartic acid, which is acidic and polar, with histidine, which is basic and polar, at codon 480 of the LAMA4 protein (p.Asp480His). This variant is present in population databases (rs782384976, gnomAD 0.0009%). This variant has not been reported in the literature in individuals affected with LAMA4-related conditions. An algorithm developed to predict the effect of missense changes on protein structure and function (PolyPhen-2) suggests that this variant is likely to be disruptive. In summary, the available evidence is currently insufficient to determine the role of this variant in disease. Therefore, it has been classified as a Variant of Uncertain Significance.

Ambry Genetics
Classification: Uncertain significance for Cardiovascular phenotype. Last evaluated: 2023-11-10. Review status: criteria provided, single submitter. Criteria: Ambry Variant Classification Scheme 2023. Collection method: clinical testing. Allele origin: germline.
Comment: The p.D480H variant (also known as c.1438G>C), located in coding exon 11 of the LAMA4 gene, results from a G to C substitution at nucleotide position 1438. The aspartic acid at codon 480 is replaced by histidine, an amino acid with similar properties. This amino acid position is highly conserved in available vertebrate species. In addition, the in silico prediction for this alteration is inconclusive. The evidence for this gene-disease relationship is limited; therefore, the clinical significance of this alteration is unclear.